The following is an entry in ClinVar:

NM_001845.6(COL4A1):c.2924G>A (p.Gly975Glu)

Gene: COL4A1 (collagen type IV alpha 1 chain; minus strand). Cytogenetic location: 13q34.
Variant type: single nucleotide variant.
Coding change: c.2924G>A on transcript NM_001845.6 (MANE Select); coding-DNA position 2924, G replaced by A.
Protein change: p.Gly975Glu; replaces glycine 975 with glutamic acid.
Molecular consequence: missense variant.
Genome position (GRCh38, 1-based): chr13:110,176,670, C>T on the plus strand (G>A on the coding strand, the complement: COL4A1 is on the minus strand). VCF-style: chr13-110176670-C-T. GRCh37 (hg19) VCF-style: chr13-110829017-C-T.
Other names: short protein forms G975E.
Identifiers: ClinVar variation 1333653 (VCV001333653.3), dbSNP rs2139162708, ClinGen allele CA388666281.

ClinVar aggregate classification (germline): Uncertain significance (1 of 4 stars; one submission).

Conditions:
Brain small vessel disease 1 with or without ocular anomalies (BSVD1). Also called: PORENCEPHALY, TYPE 1, AUTOSOMAL DOMINANT; GOULD SYNDROME 1; Brain small vessel disease with or without ocular anomalies; BRAIN SMALL VESSEL DISEASE WITH HEMORRHAGE. Identifiers: Orphanet 2940, Orphanet 36383, Orphanet 99810, MedGen C4755307, MONDO:0008289, OMIM 175780.

Submission:

3billion
Classification: Uncertain significance for Brain small vessel disease 1 with or without ocular anomalies. Last evaluated: 2022-01-03. Review status: criteria provided, single submitter. Criteria: ACMG Guidelines, 2015. Collection method: clinical testing. Allele origin: germline. Affected: yes. Observed: 1 heterozygote.
Comment: The varaint is not observed in the gnomAD v2.1.1 dataset (PM2_M). In silico tool predictions suggest damaging effect of the variant on gene or gene product (REVEL: 0.956, 3CNET: 0.974, PP3_P). A missense variant is a common mechanism associated with Brain small vessel disease with or without ocular anomalies (PP2_P). Therefore, this variant is classified as uncertain significance according to the recommendation of ACMG/AMP guideline.